The following is an entry in ClinVar:

NM_004373.4(COX6A1):c.283C>T (p.His95Tyr)

Gene: COX6A1 (cytochrome c oxidase subunit 6A1; plus strand). Cytogenetic location: 12q24.31.
Variant type: single nucleotide variant.
Coding change: c.283C>T on transcript NM_004373.4 (MANE Select); coding-DNA position 283, C replaced by T.
Protein change: p.His95Tyr; replaces histidine 95 with tyrosine.
Molecular consequence: missense variant.
Genome position (GRCh38, 1-based): chr12:120,440,490, C>T. VCF-style: chr12-120440490-C-T. GRCh37 (hg19) VCF-style: chr12-120878293-C-T.
Other names: short protein forms H95Y.
Identifiers: ClinVar variation 1377974 (VCV001377974.6), dbSNP rs1383638607, ClinGen allele CA386571039.

ClinVar aggregate classification (germline): Uncertain significance (1 of 4 stars; one submission).

Allele frequency attached by ClinVar (database versions not stated): gnomAD exomes below 0.00001 and 0.00001; gnomAD 0.00001.
gnomAD v4.1: 10 of 1,613,236 alleles (0.00062%); highest among the groups gnomAD compares: Middle Eastern, 0.016%; no homozygotes.

Submission:

Labcorp Genetics (formerly Invitae), Labcorp
Classification: Uncertain significance. Last evaluated: 2024-07-01. Review status: criteria provided, single submitter. Criteria: Invitae Variant Classification Sherloc (09022015). Collection method: clinical testing. Allele origin: germline.
Comment: This sequence change replaces histidine, which is basic and polar, with tyrosine, which is neutral and polar, at codon 95 of the COX6A1 protein (p.His95Tyr). This variant is present in population databases (no rsID available, gnomAD 0.0009%). This variant has not been reported in the literature in individuals affected with COX6A1-related conditions. ClinVar contains an entry for this variant (Variation ID: 1377974). An algorithm developed to predict the effect of missense changes on protein structure and function (PolyPhen-2) suggests that this variant is likely to be tolerated. In summary, the available evidence is currently insufficient to determine the role of this variant in disease. Therefore, it has been classified as a Variant of Uncertain Significance.